The following is an entry in ClinVar:

NM_001267550.2(TTN):c.98920G>A (p.Ala32974Thr)

Genes: TTN-AS1 (TTN antisense RNA 1; plus strand), TTN (titin; minus strand). Cytogenetic location: 2q31.2.
Variant type: single nucleotide variant.
Coding change: c.98920G>A on transcript NM_001267550.2 (MANE Select); coding-DNA position 98920, G replaced by A.
Protein change: p.Ala32974Thr; replaces alanine 32974 with threonine.
Molecular consequence: missense variant. On other transcripts: non-coding transcript variant (1).
Genome position (GRCh38, 1-based): chr2:178,539,015, C>T on the plus strand (G>A on the coding strand, the complement: TTN is on the minus strand). VCF-style: chr2-178539015-C-T. GRCh37 (hg19) VCF-style: chr2-179403742-C-T.
Other names: p.A31333T:GCA>ACA; c.93997G>A, p.Ala31333Thr (NM_001256850.1); c.71725G>A, p.Ala23909Thr (NM_003319.4); c.91216G>A, p.Ala30406Thr (NM_133378.4); c.72100G>A, p.Ala24034Thr (NM_133432.3); c.72301G>A, p.Ala24101Thr (NM_133437.4); short protein forms A31333T, A32974T, A24034T, A30406T, A23909T, A24101T.
Identifiers: ClinVar variation 203041 (VCV000203041.5), dbSNP rs374454949, ClinGen allele CA311061.

ClinVar aggregate classification (germline): Conflicting classifications of pathogenicity. Review status: criteria provided, conflicting classifications (1 of 4 stars). 3 submissions from 3 submitters: Uncertain significance (2); Likely benign (1). Last evaluated 2025-02-09.

Conditions:
TTN-related disorder. Also called: TTN-related condition; TTN-related disease; TTN-related disorders.

Allele frequency attached by ClinVar (database versions not stated): gnomAD 0.00001 and 0.00002; TOPMed 0.00002; gnomAD exomes 0.00003 and 0.00004; ExAC 0.00005; ESP Exome Variant Server 0.00008; 1000 Genomes Project 0.00020; 1000 Genomes Project 30x 0.00031.
gnomAD v4.1: 53 of 1,613,692 alleles (0.0033%); highest among the groups gnomAD compares: Admixed American, 0.0067%; no homozygotes.

Submissions (3):

PreventionGenetics, part of Exact Sciences
Classification: Uncertain significance for TTN-related condition. Last evaluated: 2025-02-09. Review status: criteria provided, single submitter. Criteria: ACMG Guidelines, 2015. Collection method: clinical testing. Allele origin: germline.
Comment: The TTN c.98920G>A variant is predicted to result in the amino acid substitution p.Ala32974Thr. To our knowledge, this variant has not been reported in the literature. This variant is reported in 0.015% of alleles in individuals of Latino descent in gnomAD. At this time, the clinical significance of this variant is uncertain due to the absence of conclusive functional and genetic evidence.

GeneDx
Classification: Likely benign. Last evaluated: 2021-05-18. Review status: criteria provided, single submitter. Criteria: GeneDx Variant Classification Process June 2021. Collection method: clinical testing. Allele origin: germline. Affected: yes.

Blueprint Genetics
Classification: Uncertain significance. Last evaluated: 2021-04-01. Review status: criteria provided, single submitter. Criteria: ACMG Guidelines, 2015. Collection method: clinical testing. Allele origin: germline.